The following is an entry in ClinVar:

NM_001754.5(RUNX1):c.266T>A (p.Leu89Gln)

Gene: RUNX1 (RUNX family transcription factor 1; minus strand). Cytogenetic location: 21q22.12.
Variant type: single nucleotide variant.
Coding change: c.266T>A on transcript NM_001754.5 (MANE Select); coding-DNA position 266, T replaced by A.
Protein change: p.Leu89Gln; replaces leucine 89 with glutamine.
Molecular consequence: missense variant.
Genome position (GRCh38, 1-based): chr21:34,886,928, A>T on the plus strand (T>A on the coding strand, the complement: RUNX1 is on the minus strand). VCF-style: chr21-34886928-A-T. GRCh37 (hg19) VCF-style: chr21-36259225-A-T.
Other names: c.185T>A, p.Leu62Gln (NM_001001890.3, NM_001122607.2); short protein forms L62Q, L89Q.
Identifiers: ClinVar variation 4158179 (VCV004158179.1).

ClinVar aggregate classification (germline): Uncertain significance (1 of 4 stars; one submission).

Conditions:
Inborn genetic diseases. Identifiers: MedGen C0950123, MeSH D030342.

Submission:

Ambry Genetics
Classification: Uncertain significance for Inborn genetic diseases. Last evaluated: 2025-06-19. Review status: criteria provided, single submitter. Criteria: Ambry Variant Classification Scheme 2023. Collection method: clinical testing. Allele origin: germline.
Comment: The p.L89Q variant (also known as c.266T>A), located in coding exon 3 of the RUNX1 gene, results from a T to A substitution at nucleotide position 266. The leucine at codon 89 is replaced by glutamine, an amino acid with dissimilar properties. This amino acid position is conserved. In addition, this alteration is predicted to be deleterious by in silico analysis. Based on the available evidence, the clinical significance of this variant remains unclear.